The following is an entry in ClinVar:

ClinVar aggregate classification (germline): Uncertain significance (1 of 4 stars; one submission).

Submission:

GeneDx
Classification: Uncertain significance. Last evaluated: 2024-08-05. Review status: criteria provided, single submitter. Criteria: GeneDx Variant Classification Process June 2021. Collection method: clinical testing. Allele origin: germline. Affected: yes.
Comment: Not observed at significant frequency in large population cohorts (gnomAD); In silico analysis supports that this missense variant has a deleterious effect on protein structure/function; Has not been previously published as pathogenic or benign to our knowledge

NM_006218.4(PIK3CA):c.101T>C (p.Leu34Ser)

Gene: PIK3CA (phosphatidylinositol-4,5-bisphosphate 3-kinase catalytic subunit alpha; plus strand). Cytogenetic location: 3q26.32.
Variant type: single nucleotide variant.
Coding change: c.101T>C on transcript NM_006218.4 (MANE Select); coding-DNA position 101, T replaced by C.
Protein change: p.Leu34Ser; replaces leucine 34 with serine.
Molecular consequence: missense variant.
Genome position (GRCh38, 1-based): chr3:179,198,926, T>C. VCF-style: chr3-179198926-T-C. GRCh37 (hg19) VCF-style: chr3-178916714-T-C.
Other names: short protein forms L34S.
Identifiers: ClinVar variation 3603192 (VCV003603192.1).
Genomic context (GRCh38, chr3:179,198,926, plus strand): 5'-ACTTGATGCCCCCAAGAATCCTAGTAGAATGTTTACTACCAAATGGAATGATAGTGACTT[T>C]AGAATGCCTCCGTGAGGCTACATTAATAACCATAAAGCATGAACTATTTAAAGAAGCAAG-3'
Protein context (NP_006209.2, residues 24-44): CLLPNGMIVT[Leu34Ser]ECLREATLIT